The following is an entry in ClinVar:

NM_023110.3(FGFR1):c.280G>A (p.Ala94Thr)

Gene: FGFR1 (fibroblast growth factor receptor 1; minus strand). Cytogenetic location: 8p11.23.
Variant type: single nucleotide variant.
Coding change: c.280G>A on transcript NM_023110.3 (MANE Select); coding-DNA position 280, G replaced by A.
Protein change: p.Ala94Thr; replaces alanine 94 with threonine.
Molecular consequence: missense variant. On other transcripts: intron variant (5).
Genome position (GRCh38, 1-based): chr8:38,429,760, C>T on the plus strand (G>A on the coding strand, the complement: FGFR1 is on the minus strand). VCF-style: chr8-38429760-C-T. GRCh37 (hg19) VCF-style: chr8-38287278-C-T.
Other names: c.280G>A, p.Ala94Thr (NM_001174063.2, NM_001174065.2, NM_001354367.2 and 3 more transcripts); c.256G>A, p.Ala86Thr (NM_001174064.2); c.379G>A, p.Ala127Thr (NM_001174067.2); c.92-1325G>A (NM_001354368.2, NM_001354370.2, NM_023106.3 and 2 more transcripts); short protein forms A127T, A86T, A94T.
Identifiers: ClinVar variation 4794067 (VCV004794067.1).

ClinVar aggregate classification (germline): Uncertain significance (1 of 4 stars; one submission).

Conditions:
Pfeiffer syndrome (ACS5). Also called: ACS V. Identifiers: Orphanet 710, MedGen C0220658, MONDO:0007043, OMIM 101600.
Hypogonadotropic hypogonadism 2 with or without anosmia (HH2). Also called: FGFR1-Related GnRH Deficiency (Kallmann Syndrome 2); HYPOGONADOTROPIC HYPOGONADISM 2 WITHOUT ANOSMIA; HYPOGONADOTROPIC HYPOGONADISM 2 WITH OR WITHOUT ANOSMIA, SUSCEPTIBILITY TO; HYPOGONADOTROPIC HYPOGONADISM 2 WITHOUT ANOSMIA, SUSCEPTIBILITY TO. Identifiers: Orphanet 478, MedGen C1563720, MONDO:0007844, OMIM 147950. Disease mechanism: loss of function.

gnomAD v4.1: 15 of 1,601,114 alleles (0.00094%); highest among the groups gnomAD compares: African/African-American, 0.0054%; no homozygotes.

Submission:

Labcorp Genetics (formerly Invitae), Labcorp
Classification: Uncertain significance for Pfeiffer syndrome; Hypogonadotropic hypogonadism 2 with or without anosmia. Last evaluated: 2025-08-06. Review status: criteria provided, single submitter. Criteria: Invitae Variant Classification Sherloc (09022015). Collection method: clinical testing. Allele origin: germline.
Comment: This sequence change replaces alanine, which is neutral and non-polar, with threonine, which is neutral and polar, at codon 94 of the FGFR1 protein (p.Ala94Thr). The frequency data for this variant in the population databases is considered unreliable, as metrics indicate poor data quality at this position in the gnomAD database. This variant has not been reported in the literature in individuals affected with FGFR1-related conditions. An algorithm developed to predict the effect of missense changes on protein structure and function outputs the following: PolyPhen-2: "Benign". The threonine amino acid residue is found in multiple mammalian species, which suggests that this missense change does not adversely affect protein function. In summary, the available evidence is currently insufficient to determine the role of this variant in disease. Therefore, it has been classified as a Variant of Uncertain Significance.